The following is an entry in ClinVar:

ClinVar aggregate classification (germline): Likely pathogenic (1 of 4 stars; one submission).

Conditions:
Congenital myasthenic syndrome 8. Also called: Myasthenic syndrome, congenital, 8, with pre- and postsynaptic defects; MYASTHENIC SYNDROME, CONGENITAL, DUE TO AGRIN DEFICIENCY. Identifiers: Orphanet 590, MedGen C3808739, MONDO:0014052, OMIM 615120.

gnomAD v4.1: 1 of 1,610,764 alleles (0.000062%); no homozygotes.

Submission:

Labcorp Genetics (formerly Invitae), Labcorp
Classification: Likely pathogenic for Congenital myasthenic syndrome 8. Last evaluated: 2022-07-30. Review status: criteria provided, single submitter. Criteria: Invitae Variant Classification Sherloc (09022015). Collection method: clinical testing. Allele origin: germline.
Comment: This variant is not present in population databases (gnomAD no frequency). This variant has not been reported in the literature in individuals affected with AGRN-related conditions. Algorithms developed to predict the effect of sequence changes on RNA splicing suggest that this variant may disrupt the consensus splice site. In summary, the currently available evidence indicates that the variant is pathogenic, but additional data are needed to prove that conclusively. Therefore, this variant has been classified as Likely Pathogenic. This sequence change affects an acceptor splice site in intron 9 of the AGRN gene. It is expected to disrupt RNA splicing. Variants that disrupt the donor or acceptor splice site typically lead to a loss of protein function (PMID: 16199547), and loss-of-function variants in AGRN are known to be pathogenic (PMID: 24951643).

Literature cited by the submitters: PubMed 16199547; PubMed 24951643.

NM_198576.4(AGRN):c.1799-1G>A

Gene: AGRN (agrin; plus strand). Cytogenetic location: 1p36.33.
Variant type: single nucleotide variant.
Coding change: c.1799-1G>A on transcript NM_198576.4 (MANE Select); the canonical splice acceptor site of the intron before coding-DNA position 1799, G replaced by A.
Molecular consequence: splice acceptor variant.
Genome position (GRCh38, 1-based): chr1:1,043,822, G>A. VCF-style: chr1-1043822-G-A. GRCh37 (hg19) VCF-style: chr1-979202-G-A.
Other names: c.1799-1G>A (NM_001305275.2); c.1484-1G>A (NM_001364727.2).
Identifiers: ClinVar variation 2020643 (VCV002020643.4), dbSNP rs2522691806, ClinGen allele CA337834247.